The following is an entry in ClinVar:

NM_004998.4(MYO1E):c.420+3G>A

Gene: MYO1E (myosin IE; minus strand). Cytogenetic location: 15q22.2.
Variant type: single nucleotide variant.
Coding change: c.420+3G>A on transcript NM_004998.4 (MANE Select); 3 bases into the intron after coding-DNA position 420, G replaced by A.
Molecular consequence: intron variant.
Genome position (GRCh38, 1-based): chr15:59,236,582, C>T on the plus strand (G>A on the coding strand, the complement: MYO1E is on the minus strand). VCF-style: chr15-59236582-C-T. GRCh37 (hg19) VCF-style: chr15-59528781-C-T.
Identifiers: ClinVar variation 1490544 (VCV001490544.7), dbSNP rs188951245, ClinGen allele CA7590356.

ClinVar aggregate classification (germline): Uncertain significance (1 of 4 stars; one submission).

Allele frequency attached by ClinVar (database versions not stated): gnomAD 0.00002 and 0.00003; TOPMed 0.00002; gnomAD exomes 0.00007 and 0.00009; ExAC 0.00010; 1000 Genomes Project 30x 0.00016; 1000 Genomes Project 0.00020.
gnomAD v4.1: 100 of 1,609,218 alleles (0.0062%); highest among the groups gnomAD compares: Non-Finnish European, 0.0083%; no homozygotes.

Submissions (2):

Labcorp Genetics (formerly Invitae), Labcorp
Classification: Uncertain significance. Last evaluated: 2021-05-01. Review status: criteria provided, single submitter. Criteria: Invitae Variant Classification Sherloc (09022015). Collection method: clinical testing. Allele origin: germline.
Comment: This sequence change falls in intron 5 of the MYO1E gene. It does not directly change the encoded amino acid sequence of the MYO1E protein. It affects a nucleotide within the consensus splice site of the intron. In summary, the available evidence is currently insufficient to determine the role of this variant in disease. Therefore, it has been classified as a Variant of Uncertain Significance. Nucleotide substitutions within the consensus splice site are a relatively common cause of aberrant splicing (PMID: 17576681, 9536098). Algorithms developed to predict the effect of sequence changes on RNA splicing suggest that this variant is not likely to affect RNA splicing, but this prediction has not been confirmed by published transcriptional studies. This variant has not been reported in the literature in individuals with MYO1E-related conditions. This variant is present in population databases (rs188951245, ExAC 0.02%).

Dr. Peter K. Rogan Lab, Western University
No classification provided (evidence only). Condition: Melanoma. Review status: no classification provided. Collection method: in vitro. Allele origin: not applicable. Functional consequence: retained intron. Not counted in ClinVar's aggregate classification.

Literature cited by the submitters: PubMed 17576681 (cited by Labcorp Genetics (formerly Invitae), Labcorp); PubMed 9536098 (cited by Labcorp Genetics (formerly Invitae), Labcorp).